The following is an entry in ClinVar:

NM_015466.4(PTPN23):c.655C>T (p.Arg219Trp)

Gene: PTPN23 (protein tyrosine phosphatase non-receptor type 23; plus strand). Cytogenetic location: 3p21.31.
Variant type: single nucleotide variant.
Coding change: c.655C>T on transcript NM_015466.4 (MANE Select); coding-DNA position 655, C replaced by T.
Protein change: p.Arg219Trp; replaces arginine 219 with tryptophan.
Molecular consequence: missense variant.
Genome position (GRCh38, 1-based): chr3:47,406,508, C>T. VCF-style: chr3-47406508-C-T. GRCh37 (hg19) VCF-style: chr3-47447998-C-T.
Other names: c.277C>T, p.Arg93Trp (NM_001304482.2); short protein forms R219W, R93W.
Identifiers: ClinVar variation 1911616 (VCV001911616.2), dbSNP rs372446033, ClinGen allele CA2365416.

ClinVar aggregate classification (germline): Uncertain significance (1 of 4 stars; one submission).

Allele frequency attached by ClinVar (database versions not stated): gnomAD exomes 0.00001; ExAC 0.00002; gnomAD 0.00002; TOPMed 0.00002; ESP Exome Variant Server 0.00015.

Submission:

Labcorp Genetics (formerly Invitae), Labcorp
Classification: Uncertain significance. Last evaluated: 2022-01-19. Review status: criteria provided, single submitter. Criteria: Invitae Variant Classification Sherloc (09022015). Collection method: clinical testing. Allele origin: germline.
Comment: This sequence change replaces arginine, which is basic and polar, with tryptophan, which is neutral and slightly polar, at codon 219 of the PTPN23 protein (p.Arg219Trp). This variant is present in population databases (rs372446033, gnomAD 0.02%). This variant has not been reported in the literature in individuals affected with PTPN23-related conditions. Algorithms developed to predict the effect of missense changes on protein structure and function are either unavailable or do not agree on the potential impact of this missense change (SIFT: "Deleterious"; PolyPhen-2: "Not Available"; Align-GVGD: "Class C0"). In summary, the available evidence is currently insufficient to determine the role of this variant in disease. Therefore, it has been classified as a Variant of Uncertain Significance.